The following is an entry in ClinVar:

NM_017637.6(BNC2):c.911G>A (p.Ser304Asn)

Gene: BNC2 (basonuclin zinc finger protein 2; minus strand). Cytogenetic location: 9p22.3.
Variant type: single nucleotide variant.
Coding change: c.911G>A on transcript NM_017637.6 (MANE Select); coding-DNA position 911, G replaced by A.
Protein change: p.Ser304Asn; replaces serine 304 with asparagine.
Molecular consequence: missense variant.
Genome position (GRCh38, 1-based): chr9:16,437,283, C>T on the plus strand (G>A on the coding strand, the complement: BNC2 is on the minus strand). VCF-style: chr9-16437283-C-T. GRCh37 (hg19) VCF-style: chr9-16437281-C-T.
Other names: c.785G>A, p.Ser262Asn (NM_001317939.2); c.626G>A, p.Ser209Asn (NM_001317940.2); short protein forms S209N, S262N, S304N.
Identifiers: ClinVar variation 4598339 (VCV004598339.2).

ClinVar aggregate classification (germline): Uncertain significance. Review status: criteria provided, multiple submitters, no conflicts (2 of 4 stars). 2 submissions from 2 submitters: Uncertain significance (2). Last evaluated 2026-06-27.

Conditions:
BNC2-related disorder. Also called: BNC2-related condition.
Inborn genetic diseases. Identifiers: MedGen C0950123, MeSH D030342.

gnomAD v4.1: 4 of 1,614,146 alleles (0.00025%); highest among the groups gnomAD compares: Middle Eastern, 0.016%; no homozygotes.

Submissions (2):

PreventionGenetics, part of Exact Sciences
Classification: Uncertain significance for BNC2-related condition. Last evaluated: 2026-06-27. Review status: criteria provided, single submitter. Criteria: ACMG Guidelines, 2015. Collection method: clinical testing. Allele origin: germline.
Comment: The BNC2 c.911G>A variant is predicted to result in the amino acid substitution p.Ser304Asn. To our knowledge, this variant has not been reported in the literature. This variant is reported in 0.0033% of alleles in individuals of South Asian descent in gnomAD. At this time, the clinical significance of this variant is uncertain due to the absence of conclusive functional and genetic evidence.

Ambry Genetics
Classification: Uncertain significance for Inborn genetic diseases. Last evaluated: 2025-12-02. Review status: criteria provided, single submitter. Criteria: Ambry Variant Classification Scheme 2023. Collection method: clinical testing. Allele origin: germline.